The following is an entry in ClinVar:

NM_133379.5(TTN):c.15280_15312del (p.5058TLERYSTPPGE[4])

Gene: TTN (titin; minus strand). Cytogenetic location: 2q31.2.
Variant type: Deletion.
Coding change: c.15280_15312del on transcript NM_133379.5 (MANE Plus Clinical); coding-DNA positions 15280 to 15312, 33 bases deleted.
Protein change: p.5058TLERYSTPPGE[4].
Molecular consequence: inframe deletion. On other transcripts: intron variant (6).
Genome position (GRCh38, 1-based): chr2:178,747,088-178,747,120, 33 bases deleted; deleting any 33 consecutive bases within chr2:178,747,088-178,747,123 gives the same sequence; the c. name uses the placement nearest the transcript's 3' end. GRCh37 (hg19): chr2:179,611,818-179,611,850.
Other names: c.10223-5199_10223-5167del (NM_003319.4); c.10799-5199_10799-5167del (NM_133437.4); c.10598-5199_10598-5167del (NM_133432.3); c.10360+6004_10360+6036del (NM_133378.4); c.10361-5199_10361-5167del (NM_001256850.1); c.11312-5199_11312-5167del (NM_001267550.2).
Identifiers: ClinVar variation 47783 (VCV000047783.5), dbSNP rs397517814, ClinGen allele CA141886.

ClinVar aggregate classification (germline): Uncertain significance (1 of 4 stars; one submission).

Submission:

Laboratory for Molecular Medicine, Mass General Brigham Personalized Medicine
Classification: Uncertain significance. Last evaluated: 2013-02-22. Review status: criteria provided, single submitter. Criteria: LMM Criteria. Collection method: clinical testing. Allele origin: germline. Observed: 1 variant allele.
Comment: The Thr5102_Glu5112del variant in TTN has not been reported in the literature no r previously identified by our laboratory. The frequency of this variant in larg e European American and African American populations cannot be determined from t he NHLBI Exome Sequencing Project because co verage at this position was insufficient or unavailable. Amino acids 5102-5112 a re repeated several times in the last exon of an alternative transcript (?Novex- 3?) and a duplication of the same region has been identified in 1.1% (4/374) of Caucasian control chromosomes tested by our laboratory, raising the possibility that altering the number of repeat units does not impact the protein. In additio n, the function of the Novex-3 transcript is unclear and thus additional data is needed to establish the clinical significance of Thr5102_Glu5112del variant.